The following is an entry in ClinVar:

NM_000256.3(MYBPC3):c.2149-4C>T

Gene: MYBPC3 (myosin binding protein C3; minus strand). Cytogenetic location: 11p11.2.
Variant type: single nucleotide variant.
Coding change: c.2149-4C>T on transcript NM_000256.3 (MANE Select); 4 bases into the intron before coding-DNA position 2149, C replaced by T.
Molecular consequence: intron variant.
Genome position (GRCh38, 1-based): chr11:47,338,683, G>A on the plus strand (C>T on the coding strand, the complement: MYBPC3 is on the minus strand). VCF-style: chr11-47338683-G-A. GRCh37 (hg19) VCF-style: chr11-47360234-G-A.
Identifiers: ClinVar variation 1786685 (VCV001786685.3), dbSNP rs1324005699, ClinGen allele CA2580084174.

ClinVar aggregate classification (germline): Conflicting classifications of pathogenicity. Review status: criteria provided, conflicting classifications (1 of 4 stars). 2 submissions from 2 submitters: Uncertain significance (1); Likely benign (1). Last evaluated 2022-11-16.

Conditions:
Cardiomyopathy (CMYO). Also called: Cardiomyopathies. Identifiers: Orphanet 167848, MedGen C0878544, MONDO:0004994, HP:0001638. Inheritance: Various modes of inheritance.
Cardiovascular phenotype. Identifiers: MedGen CN230736.

gnomAD v4.1: 1 of 1,607,534 alleles (0.000062%); highest among the groups gnomAD compares: Non-Finnish European, 0.000085%; no homozygotes.

Submissions (2):

Color Diagnostics, LLC DBA Color Health
Classification: Likely benign for Cardiomyopathy. Last evaluated: 2022-11-16. Review status: criteria provided, single submitter. Criteria: ACMG Guidelines, 2015. Collection method: clinical testing. Allele origin: germline.

Ambry Genetics
Classification: Uncertain significance for Cardiovascular phenotype. Last evaluated: 2020-03-18. Review status: criteria provided, single submitter. Criteria: Ambry Variant Classification Scheme 2023. Collection method: clinical testing. Allele origin: germline.
Comment: The c.2149-4C>T intronic variant results from a C to T substitution 4 nucleotides upstream from coding exon 23 in the MYBPC3 gene. This nucleotide position is not well conserved in available vertebrate species. Using the BDGP and ESEfinder splice site prediction tools, this alteration is not predicted to have any significant effect on this splice acceptor site; however, direct evidence is unavailable. Since supporting evidence is limited at this time, the clinical significance of this alteration remains unclear.